The following is an entry in ClinVar:

ClinVar aggregate classification (germline): Uncertain significance (1 of 4 stars; one submission).

Conditions:
Alstrom syndrome (ALMS). Identifiers: Orphanet 64, MedGen C0268425, MONDO:0008763, OMIM 203800.

Submission:

Labcorp Genetics (formerly Invitae), Labcorp
Classification: Uncertain significance for Alstrom syndrome. Last evaluated: 2022-08-19. Review status: criteria provided, single submitter. Criteria: Invitae Variant Classification Sherloc (09022015). Collection method: clinical testing. Allele origin: germline.
Comment: This sequence change replaces serine, which is neutral and polar, with arginine, which is basic and polar, at codon 3916 of the ALMS1 protein (p.Ser3916Arg). This variant is not present in population databases (gnomAD no frequency). This variant has not been reported in the literature in individuals affected with ALMS1-related conditions. Experimental studies and prediction algorithms are not available or were not evaluated, and the functional significance of this variant is currently unknown. In summary, the available evidence is currently insufficient to determine the role of this variant in disease. Therefore, it has been classified as a Variant of Uncertain Significance.

NM_001378454.1(ALMS1):c.11743A>C (p.Ser3915Arg)

Gene: ALMS1 (ALMS1 centrosome and basal body associated protein; plus strand). Cytogenetic location: 2p13.1.
Variant type: single nucleotide variant.
Coding change: c.11743A>C on transcript NM_001378454.1 (MANE Select); coding-DNA position 11743, A replaced by C.
Protein change: p.Ser3915Arg; replaces serine 3915 with arginine.
Molecular consequence: missense variant.
Genome position (GRCh38, 1-based): chr2:73,600,752, A>C. VCF-style: chr2-73600752-A-C. GRCh37 (hg19) VCF-style: chr2-73827879-A-C.
Other names: c.11746A>C, p.Ser3916Arg (NM_015120.4); short protein forms S3915R, S3916R.
Identifiers: ClinVar variation 1998124 (VCV001998124.4), dbSNP rs1426987557, ClinGen allele CA347264322.